The following is an entry in ClinVar:

NM_006254.4(PRKCD):c.940C>G (p.Gln314Glu)

Gene: PRKCD (protein kinase C delta; plus strand). Cytogenetic location: 3p21.1.
Variant type: single nucleotide variant.
Coding change: c.940C>G on transcript NM_006254.4 (MANE Select); coding-DNA position 940, C replaced by G.
Protein change: p.Gln314Glu; replaces glutamine 314 with glutamic acid.
Molecular consequence: missense variant.
Genome position (GRCh38, 1-based): chr3:53,185,655, C>G. VCF-style: chr3-53185655-C-G. GRCh37 (hg19) VCF-style: chr3-53219671-C-G.
Other names: c.940C>G, p.Gln314Glu (LRG_1327t1, NM_001316327.2, NM_001354679.2 and 2 more transcripts); c.997C>G, p.Gln333Glu (NM_001354676.2); c.988C>G, p.Gln330Glu (NM_001354678.2); short protein forms Q314E, Q330E, Q333E.
Identifiers: ClinVar variation 569535 (VCV000569535.1), dbSNP rs1553668823, ClinGen allele CA353220884.

ClinVar aggregate classification (germline): Uncertain significance (1 of 4 stars; one submission).

Conditions:
Autoimmune lymphoproliferative syndrome, type III caused by mutation in PRKCD. Identifiers: Orphanet 3261, Orphanet 664711, MedGen C3809928, MONDO:8000024, OMIM 615559.

Allele frequency attached by ClinVar (database versions not stated): gnomAD exomes 0.00001.
gnomAD v4.1: 9 of 1,613,096 alleles (0.00056%); highest among the groups gnomAD compares: Non-Finnish European, 0.00076%; no homozygotes.

Submission:

Labcorp Genetics (formerly Invitae), Labcorp
Classification: Uncertain significance for Autoimmune lymphoproliferative syndrome, type III. Last evaluated: 2018-04-18. Review status: criteria provided, single submitter. Criteria: Invitae Variant Classification Sherloc (09022015). Collection method: clinical testing. Allele origin: germline.
Comment: This sequence change replaces glutamine with glutamic acid at codon 314 of the PRKCD protein (p.Gln314Glu). The glutamine residue is highly conserved and there is a small physicochemical difference between glutamine and glutamic acid. This variant is not present in population databases (ExAC no frequency). This variant has not been reported in the literature in individuals with PRKCD-related disease. Algorithms developed to predict the effect of missense changes on protein structure and function (SIFT, PolyPhen-2, Align-GVGD) all suggest that this variant is likely to be tolerated, but these predictions have not been confirmed by published functional studies and their clinical significance is uncertain. In summary, the available evidence is currently insufficient to determine the role of this variant in disease. Therefore, it has been classified as a Variant of Uncertain Significance.